The following is an entry in ClinVar:

NM_014974.3(DIP2C):c.974A>G (p.Gln325Arg)

Gene: DIP2C (DIP2 acetate--CoA ligase C (putative); minus strand). Cytogenetic location: 10p15.3.
Variant type: single nucleotide variant.
Coding change: c.974A>G on transcript NM_014974.3 (MANE Select); coding-DNA position 974, A replaced by G.
Protein change: p.Gln325Arg; replaces glutamine 325 with arginine.
Molecular consequence: missense variant.
Genome position (GRCh38, 1-based): chr10:413,996, T>C on the plus strand (A>G on the coding strand, the complement: DIP2C is on the minus strand). VCF-style: chr10-413996-T-C. GRCh37 (hg19) VCF-style: chr10-459936-T-C.
Other names: short protein forms Q325R.
Identifiers: ClinVar variation 4761270 (VCV004761270.1).

ClinVar aggregate classification (germline): Uncertain significance (1 of 4 stars; one submission).

gnomAD v4.1: 3 of 1,614,170 alleles (0.00019%); highest among the groups gnomAD compares: Admixed American, 0.005%; no homozygotes.

Submission:

Labcorp Genetics (formerly Invitae), Labcorp
Classification: Uncertain significance. Last evaluated: 2025-03-13. Review status: criteria provided, single submitter. Criteria: Invitae Variant Classification Sherloc (09022015). Collection method: clinical testing. Allele origin: germline.
Comment: This sequence change replaces glutamine, which is neutral and polar, with arginine, which is basic and polar, at codon 325 of the DIP2C protein (p.Gln325Arg). This variant is present in population databases (no rsID available, gnomAD 0.006%). This variant has not been reported in the literature in individuals affected with DIP2C-related conditions. An algorithm developed to predict the effect of missense changes on protein structure and function (PolyPhen-2) suggests that this variant is likely to be disruptive. In summary, the available evidence is currently insufficient to determine the role of this variant in disease. Therefore, it has been classified as a Variant of Uncertain Significance.